The following is an entry in ClinVar:

NM_001127222.2(CACNA1A):c.962C>A (p.Thr321Asn)

Gene: CACNA1A (calcium voltage-gated channel subunit alpha1 A; minus strand). Cytogenetic location: 19p13.13.
Variant type: single nucleotide variant.
Coding change: c.962C>A on transcript NM_001127222.2 (MANE Select); coding-DNA position 962, C replaced by A.
Protein change: p.Thr321Asn; replaces threonine 321 with asparagine.
Molecular consequence: missense variant.
Genome position (GRCh38, 1-based): chr19:13,359,622, G>T on the plus strand (C>A on the coding strand, the complement: CACNA1A is on the minus strand). VCF-style: chr19-13359622-G-T. GRCh37 (hg19) VCF-style: chr19-13470436-G-T.
Other names: c.962C>A, p.Thr321Asn (NM_000068.4, NM_001127221.2, NM_001174080.2 and 1 more transcripts); short protein forms T321N.
Identifiers: ClinVar variation 3777453 (VCV003777453.1).

ClinVar aggregate classification (germline): Uncertain significance (1 of 4 stars; one submission).

Submission:

GeneDx
Classification: Uncertain significance. Last evaluated: 2024-10-08. Review status: criteria provided, single submitter. Criteria: GeneDx Variant Classification Process June 2021. Collection method: clinical testing. Allele origin: germline. Affected: yes.
Comment: Not observed at significant frequency in large population cohorts (gnomAD); In silico analysis supports that this missense variant has a deleterious effect on protein structure/function; Has not been previously published as pathogenic or benign to our knowledge